The following is an entry in ClinVar:

NM_002016.2(FLG):c.482_485del (p.Arg161fs)

Genes: CCDST (cervical cancer associated DHX9 suppressive transcript; plus strand), FLG (filaggrin; minus strand). Cytogenetic location: 1q21.3.
Variant type: Microsatellite.
Coding change: c.482_485del on transcript NM_002016.2 (MANE Select); coding-DNA positions 482 to 485, 4 bases deleted (GAAA; older notation c.482_485delGAAA).
Protein change: p.Arg161fs; shifts the reading frame from arginine 161.
Molecular consequence: frameshift variant.
Genome position (GRCh38, 1-based): chr1:152,314,401-152,314,404, TTTC deleted on the plus strand (GAAA on the coding strand, the reverse complement: FLG is on the minus strand); deleting any 4 consecutive bases within chr1:152,314,401-152,314,411 gives the same sequence; the c. name uses the placement nearest the transcript's 3' end. VCF-style (leftmost placement, unchanged base first): chr1-152314400-TTTTC-T. GRCh37 (hg19) VCF-style: chr1-152286876-TTTTC-T.
Other names: short protein forms R161fs.
Identifiers: ClinVar variation 1342082 (VCV001342082.3), dbSNP rs1168180592, ClinGen allele CA889447299.

ClinVar aggregate classification (germline): Pathogenic (1 of 4 stars; one submission).

Submission:

GeneDx
Classification: Pathogenic. Last evaluated: 2026-10-23. Review status: criteria provided, single submitter. Criteria: GeneDx Variant Classification Process June 2021. Collection method: clinical testing. Allele origin: germline.
Comment: Frameshift variant predicted to result in protein truncation, as the last 3901 amino acids are replaced with 31 different amino acids, and other loss-of-function variants have been reported downstream in the Human Gene Mutation Database (HGMD); Not observed in large population cohorts (gnomAD); Has not been previously published as pathogenic or benign to our knowledge; This variant is associated with the following publications: (PMID: 16444271)